The following is an entry in ClinVar:

NM_004006.3(DMD):c.649+4G>A

Gene: DMD (dystrophin; minus strand). Cytogenetic location: Xp21.1.
Variant type: single nucleotide variant.
Coding change: c.649+4G>A on transcript NM_004006.3 (MANE Select); 4 bases into the intron after coding-DNA position 649, G replaced by A.
Molecular consequence: intron variant.
Genome position (GRCh38, 1-based): chrX:32,809,489, C>T on the plus strand (G>A on the coding strand, the complement: DMD is on the minus strand). VCF-style: chrX-32809489-C-T. GRCh37 (hg19) VCF-style: chrX-32827606-C-T.
Other names: c.625+4G>A (NM_000109.4); c.637+4G>A (NM_004009.3); c.280+4G>A (NM_004010.3).
Identifiers: ClinVar variation 1034957 (VCV001034957.9), dbSNP rs2077187609, ClinGen allele CA2422992111.
Genomic context (GRCh38, chrX:32,809,489, plus strand): 5'-GTCTCAGATGAAAACATTAAACTCTACCATACTAAAAGCAGTGGTAGTCCAGAAATTTAC[C>T]AACCTTCAGGATCGAGTAGTTTCTCTATGCCTAATTGATATCTGGCGATGTTGAATGCAT-3'

ClinVar aggregate classification (germline): Uncertain significance (1 of 4 stars; one submission).

Conditions:
Duchenne muscular dystrophy (DMD). Also called: MUSCULAR DYSTROPHY, PSEUDOHYPERTROPHIC PROGRESSIVE, DUCHENNE TYPE; Duchenne Muscular Dystrophy (DMD). Identifiers: Orphanet 98896, MedGen C0013264, MONDO:0010679, OMIM 310200.

Submission:

Labcorp Genetics (formerly Invitae), Labcorp
Classification: Uncertain significance for Duchenne muscular dystrophy. Last evaluated: 2022-07-19. Review status: criteria provided, single submitter. Criteria: Invitae Variant Classification Sherloc (09022015). Collection method: clinical testing. Allele origin: germline.
Comment: In summary, the available evidence is currently insufficient to determine the role of this variant in disease. Therefore, it has been classified as a Variant of Uncertain Significance. Variants that disrupt the consensus splice site are a relatively common cause of aberrant splicing (PMID: 17576681, 9536098). Algorithms developed to predict the effect of sequence changes on RNA splicing suggest that this variant is not likely to affect RNA splicing. ClinVar contains an entry for this variant (Variation ID: 1034957). This variant has not been reported in the literature in individuals affected with DMD-related conditions. This variant is not present in population databases (gnomAD no frequency). This sequence change falls in intron 7 of the DMD gene. It does not directly change the encoded amino acid sequence of the DMD protein. It affects a nucleotide within the consensus splice site.

Literature cited by the submitters: PubMed 17576681; PubMed 9536098.